The following is an entry in ClinVar:

ClinVar aggregate classification (germline): Uncertain significance. Review status: criteria provided, multiple submitters, no conflicts (2 of 4 stars). 4 submissions from 4 submitters: Uncertain significance (4). Last evaluated 2026-01-26.

Conditions:
Arrhythmogenic right ventricular dysplasia 8 (ARVD8). Also called: Arrhythmogenic Right Ventricular Dysplasia/Cardiomyopathy 8; ARRHYTHMOGENIC RIGHT VENTRICULAR DYSPLASIA, FAMILIAL, 8; ARRHYTHMOGENIC RIGHT VENTRICULAR CARDIOMYOPATHY 8. Identifiers: MedGen C1843896, MONDO:0011831, OMIM 607450.
Arrhythmogenic cardiomyopathy with wooly hair and keratoderma. Also called: PALMOPLANTAR KERATODERMA WITH LEFT VENTRICULAR CARDIOMYOPATHY AND WOOLLY HAIR; Carvajal syndrome; Dilated cardiomyopathy with woolly hair and keratoderma; Arrhythmogenic cardiomyopathy with woolly hair and keratoderma. Identifiers: Orphanet 65282, MedGen C1854063, MONDO:0011581, OMIM 605676.
Cardiomyopathy (CMYO). Also called: Cardiomyopathies. Identifiers: Orphanet 167848, MedGen C0878544, MONDO:0004994, HP:0001638. Inheritance: Various modes of inheritance.
Cardiovascular phenotype. Identifiers: MedGen CN230736.

Allele frequency attached by ClinVar (database versions not stated): gnomAD exomes below 0.00001; TOPMed below 0.00001.
gnomAD v4.1: 1 of 1,614,226 alleles (0.000062%); no homozygotes.

Submissions (4):

Labcorp Genetics (formerly Invitae), Labcorp
Classification: Uncertain significance for Arrhythmogenic cardiomyopathy with wooly hair and keratoderma; Arrhythmogenic right ventricular dysplasia 8. Last evaluated: 2026-01-26. Review status: criteria provided, single submitter. Criteria: Invitae Variant Classification Sherloc (09022015). Collection method: clinical testing. Allele origin: germline.
Comment: This sequence change replaces arginine, which is basic and polar, with cysteine, which is neutral and slightly polar, at codon 2791 of the DSP protein (p.Arg2791Cys). This variant is not present in population databases (gnomAD no frequency). This variant has not been reported in the literature in individuals affected with DSP-related conditions. ClinVar contains an entry for this variant (Variation ID: 922338). An algorithm developed to predict the effect of missense changes on protein structure and function (PolyPhen-2) suggests that this variant is likely to be disruptive. In summary, the available evidence is currently insufficient to determine the role of this variant in disease. Therefore, it has been classified as a Variant of Uncertain Significance.

All of Us Research Program, National Institutes of Health
Classification: Uncertain significance for Arrhythmogenic cardiomyopathy with wooly hair and keratoderma. Last evaluated: 2024-04-25. Review status: criteria provided, single submitter. Criteria: ACMG Guidelines, 2015. Collection method: clinical testing. Allele origin: germline. Inheritance: Autosomal dominant inheritance. Observed: 1 variant allele, 1 heterozygote.
Comment: Variant of Uncertain Significance due to insufficient evidence: This missense variant is located in the C-terminal plakin repeat domain C of the DSP protein. Computational prediction tools and conservation analyses are inconclusive regarding the impact of this variant on the protein function. Computational splicing tools suggest that this variant may not impact RNA splicing. To our knowledge, functional assays have not been performed for this variant nor has this variant been reported in individuals affected with cardiovascular disorders in the literature. This variant is rare in the general population and has been identified in 0/277264 chromosomes by the Genome Aggregation Database (gnomAD). Available evidence is insufficient to determine the role of this variant in disease conclusively.

This study involves interpretation of variants in research participants for the purpose of population health screening. Participant phenotype was not available at the time of variant classification. Additional details can be found in publication PMID: 35346344, PMCID: PMC8962531

Color Diagnostics, LLC DBA Color Health
Classification: Uncertain significance for Cardiomyopathy. Last evaluated: 2023-12-04. Review status: criteria provided, single submitter. Criteria: ACMG Guidelines, 2015. Collection method: clinical testing. Allele origin: germline.
Comment: Variant of Uncertain Significance due to insufficient evidence: This missense variant is located in the C-terminal plakin repeat domain C of the DSP protein. Computational prediction tools and conservation analyses are inconclusive regarding the impact of this variant on the protein function. Computational splicing tools suggest that this variant may not impact RNA splicing. To our knowledge, functional assays have not been performed for this variant nor has this variant been reported in individuals affected with cardiovascular disorders in the literature. This variant is rare in the general population and has been identified in 0/277264 chromosomes by the Genome Aggregation Database (gnomAD). Available evidence is insufficient to determine the role of this variant in disease conclusively.

Ambry Genetics
Classification: Uncertain significance for Cardiovascular phenotype. Last evaluated: 2023-10-15. Review status: criteria provided, single submitter. Criteria: Ambry Variant Classification Scheme 2023. Collection method: clinical testing. Allele origin: germline.
Comment: The p.R2791C variant (also known as c.8371C>T), located in coding exon 24 of the DSP gene, results from a C to T substitution at nucleotide position 8371. The arginine at codon 2791 is replaced by cysteine, an amino acid with highly dissimilar properties. This amino acid position is conserved. In addition, the in silico prediction for this alteration is inconclusive. Since supporting evidence is limited at this time, the clinical significance of this alteration remains unclear.

NM_004415.4(DSP):c.8371C>T (p.Arg2791Cys)

Gene: DSP (desmoplakin; plus strand). Cytogenetic location: 6p24.3.
Variant type: single nucleotide variant.
Coding change: c.8371C>T on transcript NM_004415.4 (MANE Select); coding-DNA position 8371, C replaced by T.
Protein change: p.Arg2791Cys; replaces arginine 2791 with cysteine.
Molecular consequence: missense variant.
Genome position (GRCh38, 1-based): chr6:7,585,633, C>T. VCF-style: chr6-7585633-C-T. GRCh37 (hg19) VCF-style: chr6-7585866-C-T.
Other names: c.6574C>T, p.Arg2192Cys (NM_001008844.3); c.7042C>T, p.Arg2348Cys (NM_001319034.2); short protein forms R2192C, R2348C, R2791C.
Identifiers: ClinVar variation 922338 (VCV000922338.20), dbSNP rs867430601, ClinGen allele CA133977876.
Genomic context (GRCh38, chr6:7,585,633, plus strand): 5'-GCCAAAATCCTGACCTGCCCCAAAACCAAATTAAAAATATCCTATAAGGATGCCATAAAT[C>T]GCTCCATGGTAGAAGATATCACTGGGCTGCGCCTTCTGGAAGCCGCCTCCGTGTCGTCCA-3'
Protein context (NP_004406.2, residues 2781-2801): LKISYKDAIN[Arg2791Cys]SMVEDITGLR